The following is an entry in ClinVar:

ClinVar aggregate classification (germline): Uncertain significance. Review status: criteria provided, single submitter (1 of 4 stars). 2 submissions from 2 submitters: Uncertain significance (1). 1 of the submissions does not count toward it. Last evaluated 2024-04-30.

Conditions:
Fanconi anemia (FA). Also called: Fanconi's anemia. Identifiers: Orphanet 84, MedGen C0015625, MeSH D005199, MONDO:0019391.

Allele frequency attached by ClinVar (database versions not stated): gnomAD exomes below 0.00001; ExAC 0.00001; TOPMed 0.00001.
gnomAD v4.1: 2 of 1,608,082 alleles (0.00012%); highest among the groups gnomAD compares: Non-Finnish European, 0.00017%; no homozygotes.

Submissions (2):

Labcorp Genetics (formerly Invitae), Labcorp
Classification: Uncertain significance for Fanconi anemia. Last evaluated: 2024-04-30. Review status: criteria provided, single submitter. Criteria: Invitae Variant Classification Sherloc (09022015). Collection method: clinical testing. Allele origin: germline.
Comment: This sequence change affects codon 867 of the FANCA mRNA. It is a 'silent' change, meaning that it does not change the encoded amino acid sequence of the FANCA protein. This variant also falls at the last nucleotide of exon 27, which is part of the consensus splice site for this exon. This variant is present in population databases (rs746889340, gnomAD 0.0009%). This variant has not been reported in the literature in individuals affected with FANCA-related conditions. ClinVar contains an entry for this variant (Variation ID: 1027041). Variants that disrupt the consensus splice site are a relatively common cause of aberrant splicing (PMID: 17576681, 9536098). Algorithms developed to predict the effect of sequence changes on RNA splicing suggest that this variant is not likely to affect RNA splicing. In summary, the available evidence is currently insufficient to determine the role of this variant in disease. Therefore, it has been classified as a Variant of Uncertain Significance.

Natera, Inc.
Classification: Uncertain significance for Fanconi anemia. Last evaluated: 2020-08-17. Review status: no assertion criteria provided. Collection method: clinical testing. Allele origin: germline. Not counted in ClinVar's aggregate classification.

Literature cited by the submitters: PubMed 17576681 (cited by Labcorp Genetics (formerly Invitae), Labcorp); PubMed 9536098 (cited by Labcorp Genetics (formerly Invitae), Labcorp).

NM_000135.4(FANCA):c.2601G>A (p.Lys867=)

Gene: FANCA (FA complementation group A; minus strand). Cytogenetic location: 16q24.3.
Variant type: single nucleotide variant.
Coding change: c.2601G>A on transcript NM_000135.4 (MANE Select); coding-DNA position 2601, G replaced by A.
Protein change: p.Lys867=; no amino-acid change (lysine 867 retained).
Molecular consequence: synonymous variant.
Genome position (GRCh38, 1-based): chr16:89,767,141, C>T on the plus strand (G>A on the coding strand, the complement: FANCA is on the minus strand). VCF-style: chr16-89767141-C-T. GRCh37 (hg19) VCF-style: chr16-89833549-C-T.
Other names: c.2601G>A, p.Lys867= (NM_001286167.3).
Identifiers: ClinVar variation 1027041 (VCV001027041.9), dbSNP rs746889340, ClinGen allele CA8251670.